The following is an entry in ClinVar:

NM_015978.3(TNNI3K):c.380T>C (p.Ile127Thr)

Genes: FPGT-TNNI3K (FPGT-TNNI3K readthrough; plus strand), TNNI3K (TNNI3 interacting kinase; plus strand). Cytogenetic location: 1p31.1.
Variant type: single nucleotide variant.
Coding change: c.380T>C on transcript NM_015978.3 (MANE Select); coding-DNA position 380, T replaced by C.
Protein change: p.Ile127Thr; replaces isoleucine 127 with threonine.
Molecular consequence: missense variant.
Genome position (GRCh38, 1-based): chr1:74,271,644, T>C. VCF-style: chr1-74271644-T-C. GRCh37 (hg19) VCF-style: chr1-74737328-T-C.
Other names: c.683T>C, p.Ile228Thr (NM_001112808.3, NM_001199327.2); short protein forms I228T, I127T.
Identifiers: ClinVar variation 1377654 (VCV001377654.8), dbSNP rs779098224, ClinGen allele CA908880.

ClinVar aggregate classification (germline): Conflicting classifications of pathogenicity. Review status: criteria provided, conflicting classifications (1 of 4 stars). 3 submissions from 3 submitters: Uncertain significance (2); Likely benign (1). Last evaluated 2024-02-13.

Conditions:
Atrial conduction disease. Identifiers: Orphanet 436242, MedGen CN221670, MONDO:0014500.

Allele frequency attached by ClinVar (database versions not stated): gnomAD 0.00001; ExAC 0.00002; TOPMed 0.00002; gnomAD exomes 0.00004 and 0.00005.
gnomAD v4.1: 72 of 1,609,482 alleles (0.0045%); highest among the groups gnomAD compares: Non-Finnish European, 0.0057%; no homozygotes.

Submissions (3):

Labcorp Genetics (formerly Invitae), Labcorp
Classification: Uncertain significance. Last evaluated: 2024-02-13. Review status: criteria provided, single submitter. Criteria: Invitae Variant Classification Sherloc (09022015). Collection method: clinical testing. Allele origin: germline.
Comment: This sequence change replaces isoleucine, which is neutral and non-polar, with threonine, which is neutral and polar, at codon 127 of the TNNI3K protein (p.Ile127Thr). This variant is present in population databases (rs779098224, gnomAD 0.007%). This variant has not been reported in the literature in individuals affected with TNNI3K-related conditions. ClinVar contains an entry for this variant (Variation ID: 1377654). Advanced modeling of protein sequence and biophysical properties (such as structural, functional, and spatial information, amino acid conservation, physicochemical variation, residue mobility, and thermodynamic stability) performed at Invitae indicates that this missense variant is not expected to disrupt TNNI3K protein function with a negative predictive value of 80%. In summary, the available evidence is currently insufficient to determine the role of this variant in disease. Therefore, it has been classified as a Variant of Uncertain Significance.

Molecular Genetics, Royal Melbourne Hospital
Classification: Uncertain significance for Atrial conduction disease. Last evaluated: 2023-04-11. Review status: criteria provided, single submitter. Criteria: ACMG Guidelines, 2015. Collection method: clinical testing. Allele origin: germline.
Comment: This sequence change in TNNI3K is predicted to replace isoleucine with threonine at codon 127, p.(Ile127Thr). The isoleucine residue is moderately conserved (69/94 vertebrates, UCSC), and is located in the ANK 2 repeat. There is a moderate physicochemical difference between isoleucine and threonine. The highest population minor allele frequency in the population database gnomAD v2.1 is 0.007% (8/112,802 alleles) in the European (non-Finnish) population. To our knowledge, this variant has not been reported in the relevant scientific literature and has been reported as a variant of uncertain significance (ClinVar ID: 1377654). Computational evidence is uninformative for the missense substitution (REVEL = 0.337). Based on the classification scheme RMH Modified ACMG Guidelines v1.6.1, this variant is classified as a VARIANT OF UNCERTAIN SIGNIFICANCE. Following criteria are met: none.

Blueprint Genetics
Classification: Likely benign. Last evaluated: 2022-03-24. Review status: criteria provided, single submitter. Criteria: ACMG Guidelines, 2015. Collection method: clinical testing. Allele origin: germline.